The following is an entry in ClinVar:

ClinVar aggregate classification (germline): Benign (1 of 4 stars; one submission).

Conditions:
Lethal polymalformative syndrome, Boissel type. Also called: GROWTH RETARDATION, DEVELOPMENTAL DELAY, AND FACIAL DYSMORPHISM. Identifiers: Orphanet 210144, MedGen C2752001, MONDO:0013050, OMIM 612938.

Allele frequency attached by ClinVar (database versions not stated): gnomAD 0.01590 and 0.01705; TOPMed 0.01805; 1000 Genomes Project 0.01917; 1000 Genomes Project 30x 0.01983.

Submissions (2):

Illumina Laboratory Services, Illumina
Classification: Benign for Lethal polymalformative syndrome, Boissel type. Last evaluated: 2018-01-13. Review status: criteria provided, single submitter. Criteria: ICSL Variant Classification Criteria 13 December 2019. Collection method: clinical testing. Allele origin: germline.
Comment: This variant was observed in the ICSL laboratory as part of a predisposition screen in an ostensibly healthy population. It had not been previously curated by ICSL or reported in the Human Gene Mutation Database (HGMD: prior to June 1st, 2018), and was therefore a candidate for classification through an automated scoring system. Utilizing variant allele frequency, disease prevalence and penetrance estimates, and inheritance mode, an automated score was calculated to assess if this variant is too frequent to cause the disease. Based on the score and internal cut-off values, a variant classified as benign is not then subjected to further curation. The score for this variant resulted in a classification of benign for this disease.

Dr. Peter K. Rogan Lab, Western University
No classification provided (evidence only). Condition: Ovarian serous cystadenocarcinoma. Review status: no classification provided. Collection method: in vitro. Allele origin: not applicable. Functional consequence: retained intron. Not counted in ClinVar's aggregate classification.

NM_001080432.3(FTO):c.*2334G>A

Gene: FTO (FTO alpha-ketoglutarate dependent dioxygenase; plus strand). Cytogenetic location: 16q12.2.
Variant type: single nucleotide variant.
Coding change: c.*2334G>A on transcript NM_001080432.3 (MANE Select); 2334 bases downstream of the stop codon, G replaced by A.
Molecular consequence: 3 prime UTR variant.
Genome position (GRCh38, 1-based): chr16:54,114,249, G>A. VCF-style: chr16-54114249-G-A. GRCh37 (hg19) VCF-style: chr16-54148161-G-A.
Other names: NC_000016.9:g.54148161G>A; c.*2334G>A (NM_001363891.2, NM_001363894.2, NM_001363896.2 and 6 more transcripts); c.*2452G>A (NM_001363903.2); c.*2510G>A (NM_001363988.2).
Identifiers: ClinVar variation 319734 (VCV000319734.6), dbSNP rs113662449, ClinGen allele CA10648585.